The following is an entry in ClinVar:

ClinVar aggregate classification (germline): Uncertain significance. Review status: criteria provided, multiple submitters, no conflicts (2 of 4 stars). 3 submissions from 3 submitters: Uncertain significance (3). Last evaluated 2023-02-19.

Conditions:
Hereditary cancer-predisposing syndrome. Also called: Neoplastic Syndromes, Hereditary; Hereditary Cancer Syndrome; Tumor predisposition; Hereditary neoplastic syndrome. Identifiers: Orphanet 140162, MedGen C0027672, MeSH D009386, MONDO:0015356.
Tuberous sclerosis 2 (TSC2). Identifiers: Orphanet 805, MedGen C1860707, MONDO:0013199, OMIM 613254.

Submissions (3):

Labcorp Genetics (formerly Invitae), Labcorp
Classification: Uncertain significance for Tuberous sclerosis 2. Last evaluated: 2023-02-19. Review status: criteria provided, single submitter. Criteria: Invitae Variant Classification Sherloc (09022015). Collection method: clinical testing. Allele origin: germline.
Comment: This sequence change replaces histidine, which is basic and polar, with tyrosine, which is neutral and polar, at codon 307 of the TSC2 protein (p.His307Tyr). In summary, the available evidence is currently insufficient to determine the role of this variant in disease. Therefore, it has been classified as a Variant of Uncertain Significance. Advanced modeling of protein sequence and biophysical properties (such as structural, functional, and spatial information, amino acid conservation, physicochemical variation, residue mobility, and thermodynamic stability) performed at Invitae indicates that this missense variant is not expected to disrupt TSC2 protein function. ClinVar contains an entry for this variant (Variation ID: 1304177). This variant has not been reported in the literature in individuals affected with TSC2-related conditions. This variant is not present in population databases (gnomAD no frequency).

Ambry Genetics
Classification: Uncertain significance for Hereditary cancer-predisposing syndrome. Last evaluated: 2020-11-04. Review status: criteria provided, single submitter. Criteria: Ambry Variant Classification Scheme 2023. Collection method: clinical testing. Allele origin: germline.
Comment: The p.H307Y variant (also known as c.919C>T), located in coding exon 9 of the TSC2 gene, results from a C to T substitution at nucleotide position 919. The histidine at codon 307 is replaced by tyrosine, an amino acid with similar properties. This amino acid position is highly conserved in available vertebrate species. In addition, this alteration is predicted to be deleterious by in silico analysis. Since supporting evidence is limited at this time, the clinical significance of this alteration remains unclear.

GeneDx
Classification: Uncertain significance. Last evaluated: 2019-10-04. Review status: criteria provided, single submitter. Criteria: GeneDx Variant Classification Process June 2021. Collection method: clinical testing. Allele origin: germline. Affected: yes.
Comment: Not observed in large population cohorts (Lek et al., 2016); In silico analysis, which includes protein predictors and evolutionary conservation, supports a deleterious effect; Has not been previously published as pathogenic or benign to our knowledge

NM_000548.5(TSC2):c.919C>T (p.His307Tyr)

Gene: TSC2 (TSC complex subunit 2; plus strand). Cytogenetic location: 16p13.3.
Variant type: single nucleotide variant.
Coding change: c.919C>T on transcript NM_000548.5 (MANE Select); coding-DNA position 919, C replaced by T.
Protein change: p.His307Tyr; replaces histidine 307 with tyrosine.
Molecular consequence: missense variant.
Genome position (GRCh38, 1-based): chr16:2,058,817, C>T. VCF-style: chr16-2058817-C-T. GRCh37 (hg19) VCF-style: chr16-2108818-C-T.
Other names: c.919C>T, p.His307Tyr (NM_001077183.3, NM_001114382.3, NM_001363528.2 and 3 more transcripts); c.808C>T, p.His270Tyr (NM_001318827.2); c.772C>T, p.His258Tyr (NM_001318829.2); c.319C>T, p.His107Tyr (NM_001318831.2); c.952C>T, p.His318Tyr (NM_001318832.2); short protein forms H107Y, H258Y, H270Y, H307Y, H318Y.
Identifiers: ClinVar variation 1304177 (VCV001304177.8), dbSNP rs1279645051, ClinGen allele CA394315385.